The following is an entry in ClinVar:

ClinVar aggregate classification (germline): Likely benign. Review status: criteria provided, single submitter (1 of 4 stars). 2 submissions from 2 submitters: Likely benign (1). 1 of the submissions does not count toward it. Last evaluated 2024-06-20.

Conditions:
CCNF-related disorder. Also called: CCNF-related condition.

Allele frequency attached by ClinVar (database versions not stated): gnomAD exomes 0.00011; ExAC 0.00032; gnomAD 0.00119; ESP Exome Variant Server 0.00123; TOPMed 0.00123; 1000 Genomes Project 0.00140; 1000 Genomes Project 30x 0.00156.

Submissions (2):

Blueprint Genetics
Classification: Likely benign. Last evaluated: 2024-06-20. Review status: criteria provided, single submitter. Criteria: ACMG Guidelines, 2015. Collection method: clinical testing. Allele origin: germline.

PreventionGenetics, part of Exact Sciences
Classification: Likely benign for CCNF-related condition. Last evaluated: 2020-12-07. Review status: no assertion criteria provided. Collection method: clinical testing. Allele origin: germline. Not counted in ClinVar's aggregate classification.
Comment: This variant is classified as likely benign based on ACMG/AMP sequence variant interpretation guidelines (Richards et al. 2015 PMID: 25741868, with internal and published modifications).

NM_001761.3(CCNF):c.1233G>A (p.Val411=)

Gene: CCNF (cyclin F; plus strand). Cytogenetic location: 16p13.3.
Variant type: single nucleotide variant.
Coding change: c.1233G>A on transcript NM_001761.3 (MANE Select); coding-DNA position 1233, G replaced by A.
Protein change: p.Val411=; no amino-acid change (valine 411 retained).
Molecular consequence: synonymous variant.
Genome position (GRCh38, 1-based): chr16:2,449,296, G>A. VCF-style: chr16-2449296-G-A. GRCh37 (hg19) VCF-style: chr16-2499297-G-A.
Other names: c.309G>A, p.Val103= (NM_001323538.2).
Identifiers: ClinVar variation 3047555 (VCV003047555.3), dbSNP rs111543933, ClinGen allele CA7842467.